The following is an entry in ClinVar:

ClinVar aggregate classification (germline): Uncertain significance. Review status: criteria provided, multiple submitters, no conflicts (2 of 4 stars). 2 submissions from 2 submitters: Uncertain significance (2). Last evaluated 2026-06-22.

Conditions:
Inborn genetic diseases. Identifiers: MedGen C0950123, MeSH D030342.

Submissions (2):

Ambry Genetics
Classification: Uncertain significance for Inborn genetic diseases. Last evaluated: 2026-06-22. Review status: criteria provided, single submitter. Criteria: Ambry Variant Classification Scheme 2023. Collection method: clinical testing. Allele origin: germline.

GeneDx
Classification: Uncertain significance. Last evaluated: 2026-04-15. Review status: criteria provided, single submitter. Criteria: GeneDx Variant Classification Process June 2021. Collection method: clinical testing. Allele origin: germline.
Comment: Not observed at significant frequency in large population cohorts (gnomAD); In silico analysis suggests that this missense variant does not alter protein structure/function; Has not been previously published as pathogenic or benign to our knowledge

NM_138576.4(BCL11B):c.1862G>A (p.Gly621Asp)

Gene: BCL11B (BCL11 transcription factor B; minus strand). Cytogenetic location: 14q32.2.
Variant type: single nucleotide variant.
Coding change: c.1862G>A on transcript NM_138576.4 (MANE Select); coding-DNA position 1862, G replaced by A.
Protein change: p.Gly621Asp; replaces glycine 621 with aspartic acid.
Molecular consequence: missense variant.
Genome position (GRCh38, 1-based): chr14:99,174,974, C>T on the plus strand (G>A on the coding strand, the complement: BCL11B is on the minus strand). VCF-style: chr14-99174974-C-T. GRCh37 (hg19) VCF-style: chr14-99641311-C-T.
Other names: c.1859G>A, p.Gly620Asp (NM_001282237.2); c.1646G>A, p.Gly549Asp (NM_001282238.2); c.1649G>A, p.Gly550Asp (NM_022898.3); c.1862G>A (NM_138576.3); short protein forms G549D, G550D, G621D, G620D.
Identifiers: ClinVar variation 5032834 (VCV005032834.1).